The following is an entry in ClinVar:

NM_144997.7(FLCN):c.342C>A (p.His114Gln)

Gene: FLCN (folliculin; minus strand). Cytogenetic location: 17p11.2.
Variant type: single nucleotide variant.
Coding change: c.342C>A on transcript NM_144997.7 (MANE Select); coding-DNA position 342, C replaced by A.
Protein change: p.His114Gln; replaces histidine 114 with glutamine.
Molecular consequence: missense variant.
Genome position (GRCh38, 1-based): chr17:17,226,230, G>T on the plus strand (C>A on the coding strand, the complement: FLCN is on the minus strand). VCF-style: chr17-17226230-G-T. GRCh37 (hg19) VCF-style: chr17-17129544-G-T.
Other names: c.342C>A, p.His114Gln (NM_001353229.2, NM_001353230.2, NM_001353231.2 and 1 more transcripts); c.342C>A (LRG_325t1); short protein forms H114Q.
Identifiers: ClinVar variation 572895 (VCV000572895.10), dbSNP rs1448942524, ClinGen allele CA398534793.

ClinVar aggregate classification (germline): Conflicting classifications of pathogenicity. Review status: criteria provided, conflicting classifications (1 of 4 stars). 3 submissions from 3 submitters: Uncertain significance (1); Likely benign (2). Last evaluated 2026-01-24.

Conditions:
Birt-Hogg-Dube syndrome 1 (BHD1). Also called: FIBROFOLLICULOMAS WITH TRICHODISCOMAS AND ACROCHORDONS. Identifiers: Orphanet 122, MedGen CN375946, MONDO:0800445, OMIM 135150.
Birt-Hogg-Dube syndrome. Also called: Birt Hogg Dubé syndrome. Identifiers: Orphanet 122, MedGen C0346010, MONDO:0800444.
Hereditary cancer-predisposing syndrome. Also called: Hereditary neoplastic syndrome; Neoplastic Syndromes, Hereditary; Hereditary Cancer Syndrome; Tumor predisposition. Identifiers: Orphanet 140162, MedGen C0027672, MeSH D009386, MONDO:0015356.

Allele frequency attached by ClinVar (database versions not stated): gnomAD exomes below 0.00001 and 0.00001; TOPMed below 0.00001; gnomAD 0.00001.
gnomAD v4.1: 4 of 1,614,050 alleles (0.00025%); highest among the groups gnomAD compares: East Asian, 0.0089%; no homozygotes.

Submissions (3):

Labcorp Genetics (formerly Invitae), Labcorp
Classification: Uncertain significance for Birt-Hogg-Dube syndrome. Last evaluated: 2026-01-24. Review status: criteria provided, single submitter. Criteria: Invitae Variant Classification Sherloc (09022015). Collection method: clinical testing. Allele origin: germline.
Comment: This sequence change replaces histidine, which is basic and polar, with glutamine, which is neutral and polar, at codon 114 of the FLCN protein (p.His114Gln). The frequency data for this variant in the population databases is considered unreliable, as metrics indicate poor data quality at this position in the gnomAD database. This variant has not been reported in the literature in individuals affected with FLCN-related conditions. ClinVar contains an entry for this variant (Variation ID: 572895). Invitae Evidence Modeling of protein sequence and biophysical properties (such as structural, functional, and spatial information, amino acid conservation, physicochemical variation, residue mobility, and thermodynamic stability) indicates that this missense variant is not expected to disrupt FLCN protein function with a negative predictive value of 80%. In summary, the available evidence is currently insufficient to determine the role of this variant in disease. Therefore, it has been classified as a Variant of Uncertain Significance.

Myriad Genetics, Inc.
Classification: Likely benign for Birt-Hogg-Dube syndrome 1. Last evaluated: 2024-10-22. Review status: criteria provided, single submitter. Criteria: Myriad Autosomal Dominant, Autosomal Recessive and X-Linked Classification Criteria (2023). Collection method: clinical testing. Allele origin: unknown.
Comment: This variant is considered likely benign. This variant has been observed at a population frequency that is significantly greater than expected given the associated disease prevalence and penetrance.

Ambry Genetics
Classification: Likely benign for Hereditary cancer-predisposing syndrome. Last evaluated: 2023-02-02. Review status: criteria provided, single submitter. Criteria: Ambry Variant Classification Scheme 2023. Collection method: clinical testing. Allele origin: germline.